The following is an entry in ClinVar:

ClinVar aggregate classification (germline): Conflicting classifications of pathogenicity. Review status: criteria provided, conflicting classifications (1 of 4 stars). 8 submissions from 8 submitters: Uncertain significance (6); Likely benign (2). Last evaluated 2025-11-17.

Conditions:
Hereditary nonpolyposis colorectal neoplasms. Identifiers: MedGen C0009405, MeSH D003123.
Lynch syndrome. Identifiers: Orphanet 144, MedGen C4552100, MONDO:0005835. Disease mechanism: loss of function.
Endometrial carcinoma. Also called: Endometrial carcinoma, somatic. Identifiers: MedGen C0476089, MONDO:0002447, OMIM 608089, HP:0012114.
Hereditary cancer-predisposing syndrome. Also called: Hereditary neoplastic syndrome; Tumor predisposition; Neoplastic Syndromes, Hereditary; Hereditary Cancer Syndrome. Identifiers: Orphanet 140162, MedGen C0027672, MeSH D009386, MONDO:0015356.

Allele frequency attached by ClinVar (database versions not stated): gnomAD exomes below 0.00001; ExAC 0.00001.

Submissions (8):

Labcorp Genetics (formerly Invitae), Labcorp
Classification: Likely benign for Hereditary nonpolyposis colorectal neoplasms. Last evaluated: 2025-11-17. Review status: criteria provided, single submitter. Criteria: Invitae Variant Classification Sherloc (09022015). Collection method: clinical testing. Allele origin: germline.

Color Diagnostics, LLC DBA Color Health
Classification: Uncertain significance for Hereditary cancer-predisposing syndrome. Last evaluated: 2025-08-20. Review status: criteria provided, single submitter. Criteria: ACMG Guidelines, 2015. Collection method: clinical testing. Allele origin: germline.
Comment: This missense variant replaces aspartic acid with asparagine at codon 357 of the MSH6 protein. Computational prediction suggests that this variant may not impact protein structure and function. To our knowledge, functional studies have not been reported for this variant. This variant has been reported in an individual affected with ovarian cancer (PMID: 25133505). This variant has been identified in 1/251178 chromosomes in the general population by the Genome Aggregation Database (gnomAD). The available evidence is insufficient to determine the role of this variant in disease conclusively. Therefore, this variant is classified as a Variant of Uncertain Significance.

Quest Diagnostics Nichols Institute San Juan Capistrano
Classification: Uncertain significance. Last evaluated: 2025-07-24. Review status: criteria provided, single submitter. Criteria: Quest Diagnostics criteria. Collection method: clinical testing. Allele origin: unknown.
Comment: The MSH6 c.1069G>A (p.Asp357Asn) variant has been reported in the published literature in individuals with ovarian cancer (PMID: 25133505 (2014)), and colon adenoma (PMID: 29245953 (2017)). The frequency of this variant in the general population (Genome Aggregation Database) is uninformative in the assessment of its pathogenicity. Analysis of this variant using bioinformatics tools for the prediction of the effect of amino acid changes on protein structure and function yielded predictions that this variant is benign. Based on the available information, we are unable to determine the clinical significance of this variant.

Women's Health and Genetics/Laboratory Corporation of America, LabCorp
Classification: Uncertain significance. Last evaluated: 2025-03-24. Review status: criteria provided, single submitter. Criteria: LabCorp Variant Classification Summary - May 2015. Collection method: clinical testing. Allele origin: germline.
Comment: Variant summary: MSH6 c.1069G>A (p.Asp357Asn) results in a conservative amino acid change in the encoded protein sequence. Five of five in-silico tools predict a benign effect of the variant on protein function. The variant allele was found at a frequency of 4e-06 in 251178 control chromosomes (gnomAD). The available data on variant occurrences in the general population are insufficient to allow any conclusion about variant significance. c.1069G>A has been reported in the literature in an individual affected with ovarian cancer (Loizidou_2014). This report does not provide unequivocal conclusions about association of the variant with Lynch Syndrome. To our knowledge, no experimental evidence demonstrating an impact on protein function has been reported. The following publication has been ascertained in the context of this evaluation (PMID: 25133505). ClinVar contains an entry for this variant (Variation ID: 421018). Based on the evidence outlined above, the variant was classified as uncertain significance.

GeneDx
Classification: Uncertain significance. Last evaluated: 2024-04-16. Review status: criteria provided, single submitter. Criteria: GeneDx Variant Classification Process June 2021. Collection method: clinical testing. Allele origin: germline. Affected: yes.
Comment: Not observed at significant frequency in large population cohorts (gnomAD); In silico analysis indicates that this missense variant does not alter protein structure/function; Observed in an individual with ovarian cancer (PMID: 25133505); This variant is associated with the following publications: (PMID: 29596542, 21437237, 25133505)

Baylor Genetics
Classification: Uncertain significance for Endometrial carcinoma. Last evaluated: 2023-09-05. Review status: criteria provided, single submitter. Criteria: ACMG Guidelines, 2015. Collection method: clinical testing. Allele origin: unknown.

All of Us Research Program, National Institutes of Health
Classification: Uncertain significance for Lynch syndrome. Last evaluated: 2023-05-04. Review status: criteria provided, single submitter. Criteria: ACMG Guidelines, 2015. Collection method: clinical testing. Allele origin: germline. Inheritance: Autosomal dominant inheritance. Observed: 1 variant allele, 1 heterozygote.
Comment: This missense variant replaces aspartic acid with asparagine at codon 357 of the MSH6 protein. Computational prediction suggests that this variant may not impact protein structure and function (internally defined REVEL score threshold <= 0.5, PMID: 27666373). Splice site prediction tools suggest that this variant may not impact RNA splicing. To our knowledge, functional studies have not been reported for this variant. This variant has been reported in an individual affected with ovarian cancer (PMID: 25133505). This variant has been identified in 1/251178 chromosomes in the general population by the Genome Aggregation Database (gnomAD). The available evidence is insufficient to determine the role of this variant in disease conclusively. Therefore, this variant is classified as a Variant of Uncertain Significance.

This study involves interpretation of variants in research participants for the purpose of population health screening. Participant phenotype was not available at the time of variant classification. Additional details can be found in publication PMID: 35346344, PMCID: PMC8962531

Ambry Genetics
Classification: Likely benign for Hereditary cancer-predisposing syndrome. Last evaluated: 2022-12-15. Review status: criteria provided, single submitter. Criteria: Ambry Variant Classification Scheme 2023. Collection method: clinical testing. Allele origin: germline.

Literature cited by the submitters: PubMed 25133505 (cited by 5 submitters); PubMed 29245953 (cited by Quest Diagnostics Nichols Institute San Juan Capistrano).

NM_000179.3(MSH6):c.1069G>A (p.Asp357Asn)

Gene: MSH6 (mutS homolog 6; plus strand). Cytogenetic location: 2p16.3.
Variant type: single nucleotide variant.
Coding change: c.1069G>A on transcript NM_000179.3 (MANE Select); coding-DNA position 1069, G replaced by A.
Protein change: p.Asp357Asn; replaces aspartic acid 357 with asparagine.
Molecular consequence: missense variant.
Genome position (GRCh38, 1-based): chr2:47,799,052, G>A. VCF-style: chr2-47799052-G-A. GRCh37 (hg19) VCF-style: chr2-48026191-G-A.
Other names: c.679G>A, p.Asp227Asn (NM_001281492.2); c.163G>A, p.Asp55Asn (NM_001281493.2, NM_001281494.2); short protein forms D357N, D227N, D55N.
Identifiers: ClinVar variation 421018 (VCV000421018.29), dbSNP rs771529531, ClinGen allele CA067106.